The following is an entry in ClinVar:

ClinVar aggregate classification (germline): Uncertain significance (1 of 4 stars; one submission).

Submission:

Labcorp Genetics (formerly Invitae), Labcorp
Classification: Uncertain significance. Last evaluated: 2025-09-06. Review status: criteria provided, single submitter. Criteria: Invitae Variant Classification Sherloc (09022015). Collection method: clinical testing. Allele origin: germline.
Comment: This sequence change affects an acceptor splice site in intron 2 of the NSUN3 gene. It is expected to disrupt RNA splicing. Variants that disrupt the donor or acceptor splice site typically lead to a loss of protein function (PMID: 16199547), however the current clinical and genetic evidence is not sufficient to establish whether loss-of-function variants in NSUN3 cause disease. This variant is not present in population databases (gnomAD no frequency). This variant has not been reported in the literature in individuals affected with NSUN3-related conditions. Algorithms developed to predict the effect of sequence changes on RNA splicing suggest that this variant may disrupt the consensus splice site. In summary, the available evidence is currently insufficient to determine the role of this variant in disease. Therefore, it has been classified as a Variant of Uncertain Significance.

Literature cited by the submitters: PubMed 16199547.

NM_022072.5(NSUN3):c.123-1G>A

Gene: NSUN3 (NOP2/Sun RNA methyltransferase 3; plus strand). Cytogenetic location: 3q11.2.
Variant type: single nucleotide variant.
Coding change: c.123-1G>A on transcript NM_022072.5 (MANE Select); the canonical splice acceptor site of the intron before coding-DNA position 123, G replaced by A.
Molecular consequence: splice acceptor variant.
Genome position (GRCh38, 1-based): chr3:94,084,106, G>A. VCF-style: chr3-94084106-G-A. GRCh37 (hg19) VCF-style: chr3-93802950-G-A.
Identifiers: ClinVar variation 4726398 (VCV004726398.1).